The following is an entry in ClinVar:

NM_001384732.1(CPLANE1):c.3176C>T (p.Pro1059Leu)

Gene: CPLANE1 (ciliogenesis and planar polarity effector complex subunit 1; minus strand). Cytogenetic location: 5p13.2.
Variant type: single nucleotide variant.
Coding change: c.3176C>T on transcript NM_001384732.1 (MANE Select); coding-DNA position 3176, C replaced by T.
Protein change: p.Pro1059Leu; replaces proline 1059 with leucine.
Molecular consequence: missense variant.
Genome position (GRCh38, 1-based): chr5:37,205,428, G>A on the plus strand (C>T on the coding strand, the complement: CPLANE1 is on the minus strand). VCF-style: chr5-37205428-G-A. GRCh37 (hg19) VCF-style: chr5-37205530-G-A.
Other names: c.3176C>T, p.Pro1059Leu (NM_023073.4); short protein forms P1059L.
Identifiers: ClinVar variation 2571220 (VCV002571220.27), dbSNP rs2548219208, ClinGen allele CA359515324.
Genomic context (GRCh38, chr5:37,205,428, plus strand): 5'-GGTTGACCTAAAACACACTGCAGTTTTTCCTGAAAAATCTGTGCTGGAGTCATACGGAGT[G>A]GTAGATTCAGACTCTTTTTCTTGGACCTGAAATGACATCAAATTAAGGGAAATGAATCCA-3'
Protein context (NP_001371661.1, residues 1049-1069): MRSKKKSLNL[Pro1059Leu]LRMTPAQIFQ

ClinVar aggregate classification (germline): Uncertain significance (1 of 4 stars; one submission).

Allele frequency attached by ClinVar (database versions not stated): gnomAD exomes below 0.00001.
gnomAD v4.1: 1 of 1,544,294 alleles (0.000065%); highest among the groups gnomAD compares: Non-Finnish European, 0.000087%; no homozygotes.

Submission:

CeGaT Center for Human Genetics Tuebingen
Classification: Uncertain significance. Last evaluated: 2023-05-01. Review status: criteria provided, single submitter. Criteria: CeGaT Center For Human Genetics Tuebingen Variant Classification Criteria Version 2. Collection method: clinical testing. Allele origin: germline. Affected: yes. Observed: 1 variant allele.
Comment: CPLANE1: PM2, BP4